The following is an entry in ClinVar:

ClinVar aggregate classification (germline): Benign/Likely benign. Review status: criteria provided, multiple submitters, no conflicts (2 of 4 stars). 4 submissions from 4 submitters: Benign (2); Likely benign (1). 1 of the submissions does not count toward it. Last evaluated 2024-09-13.

Conditions:
RUBCN-related disorder. Also called: RUBCN-related condition.

Allele frequency attached by ClinVar (database versions not stated): gnomAD exomes 0.00013 and 0.00026; ExAC 0.00033; 1000 Genomes Project 30x 0.00094; 1000 Genomes Project 0.00100; ESP Exome Variant Server 0.00100; gnomAD 0.00110 and 0.00120; TOPMed 0.00152.
gnomAD v4.1: 392 of 1,614,134 alleles (0.024%); highest among the groups gnomAD compares: African/African-American, 0.43%; no homozygotes.

Submissions (4):

Blueprint Genetics
Classification: Likely benign. Last evaluated: 2024-09-13. Review status: criteria provided, single submitter. Criteria: ACMG Guidelines, 2015. Collection method: clinical testing. Allele origin: germline.

Labcorp Genetics (formerly Invitae), Labcorp
Classification: Benign. Last evaluated: 2017-08-02. Review status: criteria provided, single submitter. Criteria: Invitae Variant Classification Sherloc (09022015). Collection method: clinical testing. Allele origin: germline.

Breakthrough Genomics
Classification: Benign. Review status: criteria provided, single submitter. Criteria: ACMG Guidelines, 2015. Collection method: not provided. Allele origin: germline. Inheritance: Autosomal recessive inheritance. Affected: yes.

PreventionGenetics, part of Exact Sciences
Classification: Likely benign for RUBCN-related condition. Last evaluated: 2020-01-02. Review status: no assertion criteria provided. Collection method: clinical testing. Allele origin: germline. Not counted in ClinVar's aggregate classification.
Comment: This variant is classified as likely benign based on ACMG/AMP sequence variant interpretation guidelines (Richards et al. 2015 PMID: 25741868, with internal and published modifications).

NM_014687.4(RUBCN):c.843T>A (p.Ser281=)

Gene: RUBCN (rubicon autophagy regulator; minus strand). Cytogenetic location: 3q29.
Variant type: single nucleotide variant.
Coding change: c.843T>A on transcript NM_014687.4 (MANE Select); coding-DNA position 843, T replaced by A.
Protein change: p.Ser281=; no amino-acid change (serine 281 retained).
Molecular consequence: synonymous variant.
Genome position (GRCh38, 1-based): chr3:197,701,031, A>T on the plus strand (T>A on the coding strand, the complement: RUBCN is on the minus strand). VCF-style: chr3-197701031-A-T. GRCh37 (hg19) VCF-style: chr3-197427902-A-T.
Other names: c.843T>A (NM_014687.3); c.663T>A, p.Ser221= (NM_001145642.5); c.843T>A, p.Ser281= (NM_001346873.2).
Identifiers: ClinVar variation 708779 (VCV000708779.7), dbSNP rs61743909, ClinGen allele CA2787100.